The following is an entry in ClinVar:

ClinVar aggregate classification (germline): Uncertain significance. Review status: criteria provided, multiple submitters, no conflicts (2 of 4 stars). 2 submissions from 2 submitters: Uncertain significance (2). Last evaluated 2024-01-03.

Allele frequency attached by ClinVar (database versions not stated): ExAC 0.00003; gnomAD 0.00003 and 0.00001; gnomAD exomes 0.00003 and 0.00002; TOPMed 0.00005.
gnomAD v4.1: 46 of 1,613,660 alleles (0.0029%); highest among the groups gnomAD compares: Non-Finnish European, 0.0035%; no homozygotes.

Submissions (2):

Blueprint Genetics
Classification: Uncertain significance. Last evaluated: 2024-01-03. Review status: criteria provided, single submitter. Criteria: ACMG Guidelines, 2015. Collection method: clinical testing. Allele origin: germline.

Labcorp Genetics (formerly Invitae), Labcorp
Classification: Uncertain significance. Last evaluated: 2023-08-04. Review status: criteria provided, single submitter. Criteria: Invitae Variant Classification Sherloc (09022015). Collection method: clinical testing. Allele origin: germline.
Comment: This sequence change replaces valine, which is neutral and non-polar, with alanine, which is neutral and non-polar, at codon 962 of the SLC24A1 protein (p.Val962Ala). This variant is present in population databases (rs751019241, gnomAD 0.004%). This missense change has been observed in individual(s) with retinal disease (PMID: 12037007). ClinVar contains an entry for this variant (Variation ID: 856139). An algorithm developed to predict the effect of missense changes on protein structure and function (PolyPhen-2) suggests that this variant is likely to be disruptive. Algorithms developed to predict the effect of sequence changes on RNA splicing suggest that this variant may disrupt the consensus splice site. In summary, the available evidence is currently insufficient to determine the role of this variant in disease. Therefore, it has been classified as a Variant of Uncertain Significance.

Literature cited by the submitters: PubMed 12037007 (cited by Labcorp Genetics (formerly Invitae), Labcorp).

NM_004727.3(SLC24A1):c.2885T>C (p.Val962Ala)

Gene: SLC24A1 (solute carrier family 24 member 1; plus strand). Cytogenetic location: 15q22.31.
Variant type: single nucleotide variant.
Coding change: c.2885T>C on transcript NM_004727.3 (MANE Select); coding-DNA position 2885, T replaced by C.
Protein change: p.Val962Ala; replaces valine 962 with alanine.
Molecular consequence: missense variant.
Genome position (GRCh38, 1-based): chr15:65,652,643, T>C. VCF-style: chr15-65652643-T-C. GRCh37 (hg19) VCF-style: chr15-65944981-T-C.
Other names: c.866T>C, p.Val289Ala (NM_001254740.2); c.2795T>C, p.Val932Ala (NM_001301031.1); c.2831T>C, p.Val944Ala (NM_001301032.1, NM_001301033.2); short protein forms V289A, V932A, V944A, V962A.
Identifiers: ClinVar variation 856139 (VCV000856139.10), dbSNP rs751019241, ClinGen allele CA7620274.
Genomic context (GRCh38, chr15:65,652,643, plus strand): 5'-GATAGTGCTTGGATGTGCCTCAGGTTTTTCACCTACTGTTGACCGTTGCCGTTTACCAGG[T>C]TGGTGAAACAATAGGGATTTCTGAAGAGATCATGGGCCTGACAATCCTTGCAGCAGGCAC-3'
Protein context (NP_004718.1, residues 952-972): SYLMVWWAHQ[Val962Ala]GETIGISEEI